The following is an entry in ClinVar:

NM_000751.3(CHRND):c.769T>C (p.Cys257Arg)

Gene: CHRND (cholinergic receptor nicotinic delta subunit; plus strand). Cytogenetic location: 2q37.1.
Variant type: single nucleotide variant.
Coding change: c.769T>C on transcript NM_000751.3 (MANE Select); coding-DNA position 769, T replaced by C.
Protein change: p.Cys257Arg; replaces cysteine 257 with arginine.
Molecular consequence: missense variant. On other transcripts: intron variant (1).
Genome position (GRCh38, 1-based): chr2:232,530,088, T>C. VCF-style: chr2-232530088-T-C. GRCh37 (hg19) VCF-style: chr2-233394798-T-C.
Other names: c.724T>C, p.Cys242Arg (NM_001256657.2); c.466T>C, p.Cys156Arg (NM_001311196.2); c.239-1264T>C (NM_001311195.2); short protein forms C257R, C156R, C242R.
Identifiers: ClinVar variation 534526 (VCV000534526.11), dbSNP rs776218605, ClinGen allele CA66952998.

ClinVar aggregate classification (germline): Pathogenic/Likely pathogenic. Review status: criteria provided, multiple submitters, no conflicts (2 of 4 stars). 3 submissions from 3 submitters: Pathogenic (1); Likely pathogenic (2). Last evaluated 2025-04-29.

Conditions:
Lethal multiple pterygium syndrome (LMPS). Identifiers: Orphanet 33108, MedGen C1854678, MONDO:0009668, OMIM 253290.
CHRND-related disorder. Also called: CHRND-Related Disorders; CHRND-related condition.

Allele frequency attached by ClinVar (database versions not stated): gnomAD 0.00001; gnomAD exomes 0.00002 and 0.00003; TOPMed 0.00003.

Submissions (3):

Women's Health and Genetics/Laboratory Corporation of America, LabCorp
Classification: Likely pathogenic for CHRND-Related Disorders. Last evaluated: 2025-04-29. Review status: criteria provided, single submitter. Criteria: LabCorp Variant Classification Summary - May 2015. Collection method: clinical testing. Allele origin: germline.
Comment: Variant summary: CHRND c.769T>C (p.Cys257Arg) results in a non-conservative amino acid change in the encoded protein sequence. Five of five in-silico tools predict a damaging effect of the variant on protein function. The variant allele was found at a frequency of 2e-05 in 251396 control chromosomes (gnomAD). c.769T>C has been observed in a family affected with autosomal recessive CHRND-Related Disorders where it was seen in trans with a pathogenic variant (Todd_2015). These data indicate that the variant may be associated with disease. In functional studies, the variant resulted in ~20% of cell surface expression compared to wild-type (Todd_2015). The following publication has been ascertained in the context of this evaluation (PMID: 26578207). ClinVar contains an entry for this variant (Variation ID: 534526). Based on the evidence outlined above, the variant was classified as likely pathogenic.

Labcorp Genetics (formerly Invitae), Labcorp
Classification: Pathogenic for Lethal multiple pterygium syndrome. Last evaluated: 2025-01-06. Review status: criteria provided, single submitter. Criteria: Invitae Variant Classification Sherloc (09022015). Collection method: clinical testing. Allele origin: germline.
Comment: This sequence change replaces cysteine, which is neutral and slightly polar, with arginine, which is basic and polar, at codon 257 of the CHRND protein (p.Cys257Arg). This variant is present in population databases (rs776218605, gnomAD 0.006%). This missense change has been observed in individual(s) with fetal akinesia deformation sequence (FADS) (PMID: 26578207). In at least one individual the data is consistent with being in trans (on the opposite chromosome) from a pathogenic variant. It has also been observed to segregate with disease in related individuals. ClinVar contains an entry for this variant (Variation ID: 534526). Invitae Evidence Modeling of protein sequence and biophysical properties (such as structural, functional, and spatial information, amino acid conservation, physicochemical variation, residue mobility, and thermodynamic stability) indicates that this missense variant is expected to disrupt CHRND protein function with a positive predictive value of 95%. Experimental studies have shown that this missense change affects CHRND function (PMID: 26578207). For these reasons, this variant has been classified as Pathogenic.

Revvity Omics, Revvity
Classification: Likely pathogenic. Last evaluated: 2024-05-13. Review status: criteria provided, single submitter. Criteria: ACMG Guidelines, 2015. Collection method: clinical testing. Allele origin: germline.

Literature cited by the submitters: PubMed 26578207 (cited by Women's Health and Genetics/Laboratory Corporation of America, LabCorp and Labcorp Genetics (formerly Invitae), Labcorp).